The following is an entry in ClinVar:

ClinVar aggregate classification (germline): Uncertain significance (1 of 4 stars; one submission).

Submission:

GeneDx
Classification: Uncertain significance. Last evaluated: 2024-02-17. Review status: criteria provided, single submitter. Criteria: GeneDx Variant Classification Process June 2021. Collection method: clinical testing. Allele origin: germline. Affected: yes.
Comment: Not observed at significant frequency in large population cohorts (gnomAD); In silico analysis supports that this missense variant has a deleterious effect on protein structure/function; Has not been previously published as pathogenic or benign to our knowledge

NM_006245.4(PPP2R5D):c.1505G>A (p.Arg502Lys)

Gene: PPP2R5D (protein phosphatase 2 regulatory subunit B'delta; plus strand). Cytogenetic location: 6p21.1.
Variant type: single nucleotide variant.
Coding change: c.1505G>A on transcript NM_006245.4 (MANE Select); coding-DNA position 1505, G replaced by A.
Protein change: p.Arg502Lys; replaces arginine 502 with lysine.
Molecular consequence: missense variant.
Genome position (GRCh38, 1-based): chr6:43,010,687, G>A. VCF-style: chr6-43010687-G-A. GRCh37 (hg19) VCF-style: chr6-42978425-G-A.
Other names: c.1052G>A, p.Arg351Lys (NM_001270476.2); c.1409G>A, p.Arg470Lys (NM_180976.3); c.1187G>A, p.Arg396Lys (NM_180977.3); short protein forms R351K, R396K, R470K, R502K.
Identifiers: ClinVar variation 3369075 (VCV003369075.1).